The following is an entry in ClinVar:

ClinVar aggregate classification (germline): Uncertain significance. Review status: criteria provided, multiple submitters, no conflicts (2 of 4 stars). 2 submissions from 2 submitters: Uncertain significance (2). Last evaluated 2024-09-15.

Conditions:
Retinal arterial tortuosity. Also called: Retinal arteries, tortuosity of; RETINAL HEMORRHAGE WITH VASCULAR TORTUOSITY. Identifiers: Orphanet 75326, MedGen C0423401, MONDO:0008373, OMIM 180000, HP:0000631.
Microangiopathy and leukoencephalopathy, pontine, autosomal dominant. Also called: DEMENTIA, HEREDITARY MULTI-INFARCT, SWEDISH TYPE; Pontine autosomal dominant microangiopathy with leukoencephalopathy. Identifiers: Orphanet 477749, MedGen C5231411, MONDO:0032814, OMIM 618564.
Autosomal dominant familial hematuria-retinal arteriolar tortuosity-contractures syndrome. Also called: Angiopathy, hereditary, with nephropathy, aneurysms, and muscle cramps; Hereditary Angiopathy with Nephropathy, Aneurysms, and Muscle Cramps (HANAC) Syndrome. Identifiers: Orphanet 73229, MedGen C2673195, MONDO:0012726, OMIM 611773.
Brain small vessel disease 1 with or without ocular anomalies (BSVD1). Also called: PORENCEPHALY, TYPE 1, AUTOSOMAL DOMINANT; GOULD SYNDROME 1; Brain small vessel disease with or without ocular anomalies; BRAIN SMALL VESSEL DISEASE WITH HEMORRHAGE. Identifiers: Orphanet 2940, Orphanet 36383, Orphanet 99810, MedGen C4755307, MONDO:0008289, OMIM 175780.
Hemorrhage, intracerebral, susceptibility to (ICH). Also called: Stroke, hemorrhagic, susceptibility to. Identifiers: MedGen C3281105, MONDO:0100533, OMIM 614519.

Allele frequency attached by ClinVar (database versions not stated): gnomAD 0.00005; TOPMed 0.00005; gnomAD exomes 0.00001.
gnomAD v4.1: 16 of 1,613,934 alleles (0.00099%); highest among the groups gnomAD compares: African/African-American, 0.0067%; no homozygotes.

Submissions (2):

Labcorp Genetics (formerly Invitae), Labcorp
Classification: Uncertain significance. Last evaluated: 2024-09-15. Review status: criteria provided, single submitter. Criteria: Invitae Variant Classification Sherloc (09022015). Collection method: clinical testing. Allele origin: germline.
Comment: This sequence change replaces arginine, which is basic and polar, with histidine, which is basic and polar, at codon 315 of the COL4A1 protein (p.Arg315His). This variant is present in population databases (rs768184025, gnomAD 0.003%). This variant has not been reported in the literature in individuals affected with COL4A1-related conditions. ClinVar contains an entry for this variant (Variation ID: 2199606). Invitae Evidence Modeling of protein sequence and biophysical properties (such as structural, functional, and spatial information, amino acid conservation, physicochemical variation, residue mobility, and thermodynamic stability) indicates that this missense variant is not expected to disrupt COL4A1 protein function with a negative predictive value of 95%. In summary, the available evidence is currently insufficient to determine the role of this variant in disease. Therefore, it has been classified as a Variant of Uncertain Significance.

Fulgent Genetics
Classification: Uncertain significance for Brain small vessel disease 1 with or without ocular anomalies; Retinal arterial tortuosity; Autosomal dominant familial hematuria-retinal arteriolar tortuosity-contractures syndrome; Hemorrhage, intracerebral, susceptibility to; Microangiopathy and leukoencephalopathy, pontine, autosomal dominant. Last evaluated: 2024-04-18. Review status: criteria provided, single submitter. Criteria: ACMG Guidelines, 2015. Collection method: clinical testing. Allele origin: germline.

NM_001845.6(COL4A1):c.944G>A (p.Arg315His)

Gene: COL4A1 (collagen type IV alpha 1 chain; minus strand). Cytogenetic location: 13q34.
Variant type: single nucleotide variant.
Coding change: c.944G>A on transcript NM_001845.6 (MANE Select); coding-DNA position 944, G replaced by A.
Protein change: p.Arg315His; replaces arginine 315 with histidine.
Molecular consequence: missense variant.
Genome position (GRCh38, 1-based): chr13:110,205,366, C>T on the plus strand (G>A on the coding strand, the complement: COL4A1 is on the minus strand). VCF-style: chr13-110205366-C-T. GRCh37 (hg19) VCF-style: chr13-110857713-C-T.
Other names: c.944G>A, p.Arg315His (NM_001303110.2); short protein forms R315H.
Identifiers: ClinVar variation 2199606 (VCV002199606.5), dbSNP rs768184025, ClinGen allele CA7048213.